The following is an entry in ClinVar:

ClinVar aggregate classification (germline): Uncertain significance. Review status: criteria provided, multiple submitters, no conflicts (2 of 4 stars). 2 submissions from 2 submitters: Uncertain significance (2). Last evaluated 2022-12-05.

Conditions:
Inborn genetic diseases. Identifiers: MedGen C0950123, MeSH D030342.

Allele frequency attached by ClinVar (database versions not stated): gnomAD exomes below 0.00001; TOPMed below 0.00001.
gnomAD v4.1: 8 of 1,614,140 alleles (0.0005%); highest among the groups gnomAD compares: Non-Finnish European, 0.00059%; no homozygotes.

Submissions (2):

Ambry Genetics
Classification: Uncertain significance for Inborn genetic diseases. Last evaluated: 2022-12-05. Review status: criteria provided, single submitter. Criteria: Ambry Variant Classification Scheme 2023. Collection method: clinical testing. Allele origin: germline.

Women's Health and Genetics/Laboratory Corporation of America, LabCorp
Classification: Uncertain significance. Last evaluated: 2022-10-11. Review status: criteria provided, single submitter. Criteria: LabCorp Variant Classification Summary - May 2015. Collection method: clinical testing. Allele origin: germline.
Comment: Variant summary: MAP1B c.1573G>A (p.Val525Met) results in a conservative amino acid change in the encoded protein sequence. Four of five in-silico tools predict a benign effect of the variant on protein function. The variant was absent in 250952 control chromosomes (gnomAD). The available data on variant occurrences in the general population are insufficient to allow any conclusion about variant significance. To our knowledge, no occurrence of c.1573G>A in individuals affected with Periventricular Nodular Heterotopia 9 and no experimental evidence demonstrating its impact on protein function have been reported. No clinical diagnostic laboratories have submitted clinical-significance assessments for this variant to ClinVar after 2014. Based on the evidence outlined above, the variant was classified as uncertain significance.

NM_005909.5(MAP1B):c.1573G>A (p.Val525Met)

Genes: MAP1B (microtubule associated protein 1B; plus strand), LOC129994023 (ATAC-STARR-seq lymphoblastoid active region 22644; plus strand). Cytogenetic location: 5q13.2.
Variant type: single nucleotide variant.
Coding change: c.1573G>A on transcript NM_005909.5 (MANE Select); coding-DNA position 1573, G replaced by A.
Protein change: p.Val525Met; replaces valine 525 with methionine.
Molecular consequence: missense variant.
Genome position (GRCh38, 1-based): chr5:72,194,928, G>A. VCF-style: chr5-72194928-G-A. GRCh37 (hg19) VCF-style: chr5-71490755-G-A.
Other names: c.1195G>A, p.Val399Met (NM_001324255.2); c.1573G>A (NM_005909.3); short protein forms V399M, V525M.
Identifiers: ClinVar variation 1723289 (VCV001723289.4), dbSNP rs1747113838, ClinGen allele CA359999724.
Genomic context (GRCh38, chr5:72,194,928, plus strand): 5'-CTCAAACATCTAGACTTTCTGAAGCAGCCACTGGCCACCCAAAAGGATCTCACTGGCCAG[G>A]TGCCCACTCCTGTGGTGAAACAAACAAAACTGAAACAGAGGGCTGATAGCCGAGAAAGTC-3'
Protein context (NP_005900.2, residues 515-535): LATQKDLTGQ[Val525Met]PTPVVKQTKL